The following is an entry in ClinVar:

NM_001267550.2(TTN):c.5325T>C (p.Ile1775=)

Gene: TTN (titin; minus strand). Cytogenetic location: 2q31.2.
Variant type: single nucleotide variant.
Coding change: c.5325T>C on transcript NM_001267550.2 (MANE Select); coding-DNA position 5325, T replaced by C.
Protein change: p.Ile1775=; no amino-acid change (isoleucine 1775 retained).
Molecular consequence: synonymous variant.
Genome position (GRCh38, 1-based): chr2:178,776,539, A>G on the plus strand (T>C on the coding strand, the complement: TTN is on the minus strand). VCF-style: chr2-178776539-A-G. GRCh37 (hg19) VCF-style: chr2-179641266-A-G.
Other names: c.5325T>C, p.Ile1775= (NM_001256850.1, NM_133378.4, NM_133379.5); c.5187T>C, p.Ile1729= (NM_003319.4, NM_133432.3, NM_133437.4).
Identifiers: ClinVar variation 1981664 (VCV001981664.6), dbSNP rs1371610759, ClinGen allele CA430281001.

ClinVar aggregate classification (germline): Likely benign. Review status: criteria provided, multiple submitters, no conflicts (2 of 4 stars). 3 submissions from 3 submitters: Likely benign (3). Last evaluated 2026-02-27.

Conditions:
Dilated cardiomyopathy 1G (CMD1G). Identifiers: Orphanet 154, MedGen C1858763, MONDO:0011400, OMIM 604145.
Autosomal recessive limb-girdle muscular dystrophy type 2J (LGMDR10). Also called: Limb-girdle muscular dystrophy, type 2J; MUSCULAR DYSTROPHY, LIMB-GIRDLE, AUTOSOMAL RECESSIVE 10. Identifiers: Orphanet 140922, MedGen C1837342, MONDO:0012127, OMIM 608807.
Cardiovascular phenotype. Identifiers: MedGen CN230736.
TTN-related disorder. Also called: TTN-related disorders; TTN-related condition; TTN-related disease.

Allele frequency attached by ClinVar (database versions not stated): TOPMed below 0.00001.
gnomAD v4.1: 2 of 1,611,262 alleles (0.00012%); highest among the groups gnomAD compares: Admixed American, 0.0017%; no homozygotes.

Submissions (3):

PreventionGenetics, part of Exact Sciences
Classification: Likely benign for TTN-related condition. Last evaluated: 2026-02-27. Review status: criteria provided, single submitter. Criteria: ACMG Guidelines, 2015. Collection method: clinical testing. Allele origin: germline.
Comment: This variant is classified as likely benign based on ACMG/AMP sequence variant interpretation guidelines (Richards et al. 2015 PMID: 25741868, with internal and published modifications).

Ambry Genetics
Classification: Likely benign for Cardiovascular phenotype. Last evaluated: 2026-01-10. Review status: criteria provided, single submitter. Criteria: Ambry Variant Classification Scheme 2023. Collection method: clinical testing. Allele origin: germline.

Labcorp Genetics (formerly Invitae), Labcorp
Classification: Likely benign for Dilated cardiomyopathy 1G; Autosomal recessive limb-girdle muscular dystrophy type 2J. Last evaluated: 2022-07-19. Review status: criteria provided, single submitter. Criteria: Invitae Variant Classification Sherloc (09022015). Collection method: clinical testing. Allele origin: germline.